The following is an entry in ClinVar:

NM_013266.4(CTNNA3):c.1276G>A (p.Val426Ile)

Gene: CTNNA3 (catenin alpha 3; minus strand). Cytogenetic location: 10q21.3.
Variant type: single nucleotide variant.
Coding change: c.1276G>A on transcript NM_013266.4 (MANE Select); coding-DNA position 1276, G replaced by A.
Protein change: p.Val426Ile; replaces valine 426 with isoleucine.
Molecular consequence: missense variant.
Genome position (GRCh38, 1-based): chr10:66,766,269, C>T on the plus strand (G>A on the coding strand, the complement: CTNNA3 is on the minus strand). VCF-style: chr10-66766269-C-T. GRCh37 (hg19) VCF-style: chr10-68526027-C-T.
Other names: c.1276G>A, p.Val426Ile (NM_001127384.3); short protein forms V426I.
Identifiers: ClinVar variation 4810534 (VCV004810534.1).

ClinVar aggregate classification (germline): Uncertain significance (1 of 4 stars; one submission).

Conditions:
Arrhythmogenic right ventricular dysplasia 13. Also called: Arrhythmogenic right ventricular dysplasia, familial, 13; ARRHYTHMOGENIC RIGHT VENTRICULAR CARDIOMYOPATHY 13. Identifiers: MedGen C3810138, MONDO:0000908, OMIM 615616.

gnomAD v4.1: 8 of 1,613,540 alleles (0.0005%); highest among the groups gnomAD compares: Middle Eastern, 0.082%; no homozygotes.

Submission:

Labcorp Genetics (formerly Invitae), Labcorp
Classification: Uncertain significance for Arrhythmogenic right ventricular dysplasia 13. Last evaluated: 2025-06-09. Review status: criteria provided, single submitter. Criteria: Invitae Variant Classification Sherloc (09022015). Collection method: clinical testing. Allele origin: germline.
Comment: This sequence change replaces valine, which is neutral and non-polar, with isoleucine, which is neutral and non-polar, at codon 426 of the CTNNA3 protein (p.Val426Ile). This variant is not present in population databases (gnomAD no frequency). This variant has not been reported in the literature in individuals affected with CTNNA3-related conditions. An algorithm developed to predict the effect of missense changes on protein structure and function outputs the following: PolyPhen-2: "Benign". The isoleucine amino acid residue is found in multiple mammalian species, which suggests that this missense change does not adversely affect protein function. In summary, the available evidence is currently insufficient to determine the role of this variant in disease. Therefore, it has been classified as a Variant of Uncertain Significance.